The following is an entry in ClinVar:

ClinVar aggregate classification (germline): Uncertain significance. Review status: criteria provided, multiple submitters, no conflicts (2 of 4 stars). 3 submissions from 3 submitters: Uncertain significance (3). Last evaluated 2024-09-17.

Conditions:
Encephalopathy, lethal, due to defective mitochondrial peroxisomal fission 1. Also called: Lethal Encephalopathy Due To Defective Mitochondrial Peroxisomal Fission. Identifiers: Orphanet 330050, MedGen C3280660, MONDO:0013726, OMIM 614388.

Allele frequency attached by ClinVar (database versions not stated): gnomAD exomes below 0.00001 and 0.00001; TOPMed 0.00001.

Submissions (3):

Blueprint Genetics
Classification: Uncertain significance. Last evaluated: 2024-09-17. Review status: criteria provided, single submitter. Criteria: ACMG Guidelines, 2015. Collection method: clinical testing. Allele origin: germline.

Mendelics
Classification: Uncertain significance for Encephalopathy, lethal, due to defective mitochondrial peroxisomal fission 1. Last evaluated: 2022-12-10. Review status: criteria provided, single submitter. Criteria: Mendelics Assertion Criteria 2017. Collection method: clinical testing. Allele origin: unknown.

Labcorp Genetics (formerly Invitae), Labcorp
Classification: Uncertain significance. Last evaluated: 2022-05-30. Review status: criteria provided, single submitter. Criteria: Invitae Variant Classification Sherloc (09022015). Collection method: clinical testing. Allele origin: germline.
Comment: This sequence change replaces arginine, which is basic and polar, with tryptophan, which is neutral and slightly polar, at codon 639 of the DNM1L protein (p.Arg639Trp). This variant is present in population databases (no rsID available, gnomAD 0.003%). This variant has not been reported in the literature in individuals affected with DNM1L-related conditions. ClinVar contains an entry for this variant (Variation ID: 802836). Algorithms developed to predict the effect of missense changes on protein structure and function (SIFT, PolyPhen-2, Align-GVGD) all suggest that this variant is likely to be disruptive. In summary, the available evidence is currently insufficient to determine the role of this variant in disease. Therefore, it has been classified as a Variant of Uncertain Significance.

NM_012062.5(DNM1L):c.1915C>T (p.Arg639Trp)

Gene: DNM1L (dynamin 1L; plus strand). Cytogenetic location: 12p11.21.
Variant type: single nucleotide variant.
Coding change: c.1915C>T on transcript NM_012062.5 (MANE Select); coding-DNA position 1915, C replaced by T.
Protein change: p.Arg639Trp; replaces arginine 639 with tryptophan.
Molecular consequence: missense variant.
Genome position (GRCh38, 1-based): chr12:32,740,439, C>T. VCF-style: chr12-32740439-C-T. GRCh37 (hg19) VCF-style: chr12-32893373-C-T.
Other names: c.1882C>T, p.Arg628Trp (NM_001278463.2); c.1954C>T, p.Arg652Trp (NM_001278464.2); c.1921C>T, p.Arg641Trp (NM_001278465.2); c.1306C>T, p.Arg436Trp (NM_001278466.2); c.1843C>T, p.Arg615Trp (NM_001330380.2); c.1804C>T, p.Arg602Trp (NM_005690.5); c.1837C>T, p.Arg613Trp (NM_012063.4); short protein forms R602W, R641W, R436W, R613W, R615W, R628W, R639W, R652W.
Identifiers: ClinVar variation 802836 (VCV000802836.7), dbSNP rs1011225865, ClinGen allele CA235206118.